The following is an entry in ClinVar:

NM_002381.5(MATN3):c.880G>T (p.Gly294Ter)

Genes: MATN3 (matrilin 3; minus strand), WDR35-DT (WDR35 divergent transcript; plus strand). Cytogenetic location: 2p24.1.
Variant type: single nucleotide variant.
Coding change: c.880G>T on transcript NM_002381.5 (MANE Select); coding-DNA position 880, G replaced by T.
Protein change: p.Gly294Ter; replaces glycine 294 with a stop codon.
Molecular consequence: nonsense.
Genome position (GRCh38, 1-based): chr2:20,003,197, C>A on the plus strand (G>T on the coding strand, the complement: MATN3 is on the minus strand). VCF-style: chr2-20003197-C-A. GRCh37 (hg19) VCF-style: chr2-20202958-C-A.
Other names: short protein forms G294*.
Identifiers: ClinVar variation 3618416 (VCV003618416.2).

ClinVar aggregate classification (germline): Uncertain significance (1 of 4 stars; one submission).

gnomAD v4.1: 15 of 1,613,892 alleles (0.00093%); highest among the groups gnomAD compares: Admixed American, 0.025%; no homozygotes.

Submission:

Labcorp Genetics (formerly Invitae), Labcorp
Classification: Uncertain significance. Last evaluated: 2024-11-27. Review status: criteria provided, single submitter. Criteria: Invitae Variant Classification Sherloc (09022015). Collection method: clinical testing. Allele origin: germline.
Comment: This sequence change creates a premature translational stop signal (p.Gly294*) in the MATN3 gene. It is expected to result in an absent or disrupted protein product. However, the current clinical and genetic evidence is not sufficient to establish whether loss-of-function variants in MATN3 cause disease. This variant is present in population databases (no rsID available, gnomAD 0.009%). This variant has not been reported in the literature in individuals affected with MATN3-related conditions. In summary, the available evidence is currently insufficient to determine the role of this variant in disease. Therefore, it has been classified as a Variant of Uncertain Significance.